The following is an entry in ClinVar:

ClinVar aggregate classification (germline): Uncertain significance (1 of 4 stars; one submission).

Submission:

CeGaT Center for Human Genetics Tuebingen
Classification: Uncertain significance. Last evaluated: 2024-01-01. Review status: criteria provided, single submitter. Criteria: CeGaT Center For Human Genetics Tuebingen Variant Classification Criteria Version 2. Collection method: clinical testing. Allele origin: germline. Affected: yes. Observed: 1 variant allele.
Comment: TG: PM2, BP4

NM_003235.5(TG):c.3727C>G (p.Gln1243Glu)

Gene: TG (thyroglobulin; plus strand). Cytogenetic location: 8q24.22.
Variant type: single nucleotide variant.
Coding change: c.3727C>G on transcript NM_003235.5 (MANE Select); coding-DNA position 3727, C replaced by G.
Protein change: p.Gln1243Glu; replaces glutamine 1243 with glutamic acid.
Molecular consequence: missense variant.
Genome position (GRCh38, 1-based): chr8:132,906,780, C>G. VCF-style: chr8-132906780-C-G. GRCh37 (hg19) VCF-style: chr8-133919025-C-G.
Other names: short protein forms Q1243E.
Identifiers: ClinVar variation 3026781 (VCV003026781.22), dbSNP rs142243819, ClinGen allele CA372243174.